The following is an entry in ClinVar:

NM_139058.3(ARX):c.541C>T (p.Pro181Ser)

Gene: ARX (aristaless related homeobox; minus strand). Cytogenetic location: Xp21.3.
Variant type: single nucleotide variant.
Coding change: c.541C>T on transcript NM_139058.3 (MANE Select); coding-DNA position 541, C replaced by T.
Protein change: p.Pro181Ser; replaces proline 181 with serine.
Molecular consequence: missense variant.
Genome position (GRCh38, 1-based): chrX:25,013,454, G>A on the plus strand (C>T on the coding strand, the complement: ARX is on the minus strand). VCF-style: chrX-25013454-G-A. GRCh37 (hg19) VCF-style: chrX-25031571-G-A.
Other names: short protein forms P181S.
Identifiers: ClinVar variation 1997756 (VCV001997756.4), dbSNP rs2147324074, ClinGen allele CA412612950.

ClinVar aggregate classification (germline): Uncertain significance (1 of 4 stars; one submission).

Conditions:
Developmental and epileptic encephalopathy, 1 (DEE1). Also called: INFANTILE SPASM SYNDROME, X-LINKED 1; X-linked infantile spasms; West's syndrome; Tonic spasms with clustering, arrest of psychomotor development and hypsarrhythmia on EEG; X-Linked Infantile Spasm Syndrome; OHTAHARA SYNDROME, X-LINKED. Identifiers: MedGen C3463992, MONDO:0010632, OMIM 308350. Disease mechanism: loss of function.
Intellectual disability, X-linked, with or without seizures, ARX-related. Also called: MENTAL RETARDATION, X-LINKED 29; MENTAL RETARDATION, X-LINKED 32; MENTAL RETARDATION, X-LINKED 33; MENTAL RETARDATION, X-LINKED 38; MENTAL RETARDATION, X-LINKED 43; MENTAL RETARDATION, X-LINKED 76. Identifiers: Orphanet 777, MedGen C0796244, MONDO:0010317, OMIM 300419.

gnomAD v4.1: 1 of 931,516 alleles (0.00011%); highest among the groups gnomAD compares: Middle Eastern, 0.044%; no homozygotes.

Submission:

Labcorp Genetics (formerly Invitae), Labcorp
Classification: Uncertain significance for Developmental and epileptic encephalopathy, 1; Intellectual disability, X-linked, with or without seizures, ARX-related. Last evaluated: 2023-05-20. Review status: criteria provided, single submitter. Criteria: Invitae Variant Classification Sherloc (09022015). Collection method: clinical testing. Allele origin: germline.
Comment: ClinVar contains an entry for this variant (Variation ID: 1997756). This sequence change replaces proline, which is neutral and non-polar, with serine, which is neutral and polar, at codon 181 of the ARX protein (p.Pro181Ser). The frequency data for this variant in the population databases is considered unreliable, as metrics indicate insufficient coverage at this position in the gnomAD database. This variant has not been reported in the literature in individuals affected with ARX-related conditions. Advanced modeling of protein sequence and biophysical properties (such as structural, functional, and spatial information, amino acid conservation, physicochemical variation, residue mobility, and thermodynamic stability) has been performed at Invitae for this missense variant, however the output from this modeling did not meet the statistical confidence thresholds required to predict the impact of this variant on ARX protein function. In summary, the available evidence is currently insufficient to determine the role of this variant in disease. Therefore, it has been classified as a Variant of Uncertain Significance.